The following is an entry in ClinVar:

NM_016529.6(ATP8A2):c.983C>G (p.Ala328Gly)

Gene: ATP8A2 (ATPase phospholipid transporting 8A2). Cytogenetic location: 13q12.13.
Variant type: single nucleotide variant.
Coding change: c.983C>G on transcript NM_016529.6 (MANE Select); coding-DNA position 983, C replaced by G.
Protein change: p.Ala328Gly; replaces alanine 328 with glycine.
Molecular consequence: missense variant.
Genome position (GRCh38, 1-based): chr13:25,551,429, C>G. VCF-style: chr13-25551429-C-G. GRCh37 (hg19) VCF-style: chr13-26125567-C-G.
Other names: c.863C>G, p.Ala288Gly (NM_001313741.1); c.983C>G, p.Ala328Gly (NM_001411005.1, NM_001411006.1); short protein forms A288G, A328G.
Identifiers: ClinVar variation 1715966 (VCV001715966.5), dbSNP rs2542352362, ClinGen allele CA387612815.

ClinVar aggregate classification (germline): Uncertain significance (1 of 4 stars; one submission).

Submission:

Labcorp Genetics (formerly Invitae), Labcorp
Classification: Uncertain significance. Last evaluated: 2025-11-10. Review status: criteria provided, single submitter. Criteria: Invitae Variant Classification Sherloc (09022015). Collection method: clinical testing. Allele origin: germline.
Comment: This sequence change replaces alanine, which is neutral and non-polar, with glycine, which is neutral and non-polar, at codon 328 of the ATP8A2 protein (p.Ala328Gly). This variant is not present in population databases (gnomAD no frequency). This variant has not been reported in the literature in individuals affected with ATP8A2-related conditions. ClinVar contains an entry for this variant (Variation ID: 1715966). Invitae Evidence Modeling of protein sequence and biophysical properties (such as structural, functional, and spatial information, amino acid conservation, physicochemical variation, residue mobility, and thermodynamic stability) indicates that this missense variant is not expected to disrupt ATP8A2 protein function with a negative predictive value of 80%. In summary, the available evidence is currently insufficient to determine the role of this variant in disease. Therefore, it has been classified as a Variant of Uncertain Significance.